The following is an entry in ClinVar:

ClinVar aggregate classification (germline): Uncertain significance. Review status: criteria provided, multiple submitters, no conflicts (2 of 4 stars). 5 submissions from 2 submitters: Uncertain significance (5). Last evaluated 2018-01-13.

Conditions:
Transitory neonatal diabetes mellitus. Also called: Transient neonatal diabetes mellitus. Identifiers: MedGen C0342273, MONDO:0020525, HP:0008255.
Maturity-onset diabetes of the young (MODY). Also called: Maturity onset diabetes mellitus in young. Identifiers: Orphanet 552, MedGen C0342276, MONDO:0018911, HP:0004904.
Hyperinsulinemic hypoglycemia, familial, 1 (HHF1). Also called: Persistent hyperinsulinemic hypoglycemia of infancy; HYPERINSULINISM, FAMILIAL, WITH PANCREATIC NESIDIOBLASTOSIS; HYPOGLYCEMIA, HYPERINSULINEMIC, OF INFANCY; NESIDIOBLASTOSIS OF PANCREAS; Persistent Hyperinsulinemia Hypoglycemia of Infancy. Identifiers: Orphanet 276575, Orphanet 276598, MedGen C2931832, MONDO:0009734, OMIM 256450.
Permanent neonatal diabetes mellitus (PNDM). Identifiers: Orphanet 99885, MedGen C1833104, MONDO:0100164, MONDO:0011643. Disease mechanism: gain of function.
Diabetes mellitus, transient neonatal, 2 (TNDM2). Identifiers: Orphanet 99886, MedGen C1835887, MONDO:0012480, OMIM 610374. Disease mechanism: loss of function.

gnomAD v4.1: 1 of 1,614,230 alleles (0.000062%); highest among the groups gnomAD compares: Non-Finnish European, 0.000085%; no homozygotes.

Submissions (5):

Illumina Laboratory Services, Illumina
Classification: Uncertain significance for Permanent neonatal diabetes mellitus 1. Last evaluated: 2018-01-13. Review status: criteria provided, single submitter. Criteria: ICSL Variant Classification Criteria 13 December 2019. Collection method: clinical testing. Allele origin: germline.

Illumina Laboratory Services, Illumina
Classification: Uncertain significance for Hyperinsulinemic hypoglycemia, familial, 1. Last evaluated: 2018-01-13. Review status: criteria provided, single submitter. Criteria: ICSL Variant Classification Criteria 13 December 2019. Collection method: clinical testing. Allele origin: germline.

Illumina Laboratory Services, Illumina
Classification: Uncertain significance for Diabetes mellitus, transient neonatal, 2. Last evaluated: 2018-01-13. Review status: criteria provided, single submitter. Criteria: ICSL Variant Classification Criteria 13 December 2019. Collection method: clinical testing. Allele origin: germline.

Clinical Genomics, Uppaluri K&H Personalized Medicine Clinic
Classification: Uncertain significance for Transitory neonatal diabetes mellitus. Review status: criteria provided, single submitter. Criteria: K & H Uppaluri Personalized Medicine Clinic Variant Classification & Assertion Criteria_Updated V.1. Collection method: research. Allele origin: somatic. Inheritance: Somatic mutation.
Comment: Mutations in ABCC8 gene are associated with both neonatal diabetes mellitus as well as MODY. Patients with this mutation may have a better response to sulfonylureas. However, no sufficient evidence is found to ascertain the role of this particular variant (rs886048050) in neonatal diabetes yet.

Clinical Genomics, Uppaluri K&H Personalized Medicine Clinic
Classification: Uncertain significance for Maturity-onset diabetes of the young. Review status: criteria provided, single submitter. Criteria: K & H Uppaluri Personalized Medicine Clinic Variant Classification & Assertion Criteria_Updated V.1. Collection method: research. Allele origin: somatic. Inheritance: Somatic mutation.
Comment: Mutations in ABCC8 gene are associated with both neonatal diabetes mellitus as well as MODY. Patients with this mutation may have a better response to sulfonylureas. However, no sufficient evidence is found to ascertain the role of this particular variant (rs886048050) in MODY yet.

Literature cited by the submitters: PubMed 16885549 (cited by Clinical Genomics, Uppaluri K&H Personalized Medicine Clinic); PubMed 21989597 (cited by Clinical Genomics, Uppaluri K&H Personalized Medicine Clinic); PubMed 27538677 (cited by Clinical Genomics, Uppaluri K&H Personalized Medicine Clinic); PubMed 18981553 (cited by Clinical Genomics, Uppaluri K&H Personalized Medicine Clinic); PubMed 32027066 (cited by Clinical Genomics, Uppaluri K&H Personalized Medicine Clinic); PubMed 16613899 (cited by Clinical Genomics, Uppaluri K&H Personalized Medicine Clinic); PubMed 18025408 (cited by Clinical Genomics, Uppaluri K&H Personalized Medicine Clinic); PubMed 32792356 (cited by Clinical Genomics, Uppaluri K&H Personalized Medicine Clinic).

NM_000352.6(ABCC8):c.3558-6C>G

Gene: ABCC8 (ATP binding cassette subfamily C member 8; minus strand). Cytogenetic location: 11p15.1.
Variant type: single nucleotide variant.
Coding change: c.3558-6C>G on transcript NM_000352.6 (MANE Select); 6 bases into the intron before coding-DNA position 3558, C replaced by G.
Molecular consequence: intron variant.
Genome position (GRCh38, 1-based): chr11:17,402,759, G>C on the plus strand (C>G on the coding strand, the complement: ABCC8 is on the minus strand). VCF-style: chr11-17402759-G-C. GRCh37 (hg19) VCF-style: chr11-17424306-G-C.
Other names: c.3555-6C>G (NM_001351297.2); c.3558-6C>G (NM_001351296.2); c.3624-6C>G (NM_001351295.2); c.3561-6C>G (NM_001287174.3).
Identifiers: ClinVar variation 303760 (VCV000303760.6), dbSNP rs886048050, ClinGen allele CA10637949.
Genomic context (GRCh38, chr11:17,402,759, plus strand): 5'-GGCAAAGTGTGAGAGAAGTGGAAGCTGGGTGGTGTCATCCAGCTGCTGCAGGTCCCTGTG[G>C]CGGGGAACAGAGTGGAACAGTTAAGAGGGCAGGCTCAGGGCTCGGCCTGGGCCTGAAGCC-3'